The following is an entry in ClinVar:

NM_002474.3(MYH11):c.1574C>T (p.Pro525Leu)

Gene: MYH11 (myosin heavy chain 11; minus strand). Cytogenetic location: 16p13.11.
Variant type: single nucleotide variant.
Coding change: c.1574C>T on transcript NM_002474.3 (MANE Select); coding-DNA position 1574, C replaced by T.
Protein change: p.Pro525Leu; replaces proline 525 with leucine.
Molecular consequence: missense variant.
Genome position (GRCh38, 1-based): chr16:15,757,828, G>A on the plus strand (C>T on the coding strand, the complement: MYH11 is on the minus strand). VCF-style: chr16-15757828-G-A. GRCh37 (hg19) VCF-style: chr16-15851685-G-A.
Other names: c.1595C>T, p.Pro532Leu (NM_001040113.2, NM_001040114.2); c.1574C>T, p.Pro525Leu (NM_022844.3); short protein forms P532L, P525L.
Identifiers: ClinVar variation 238257 (VCV000238257.25), dbSNP rs750288554, ClinGen allele CA7922588.

ClinVar aggregate classification (germline): Uncertain significance. Review status: criteria provided, multiple submitters, no conflicts (2 of 4 stars). 8 submissions from 8 submitters: Uncertain significance (8). Last evaluated 2026-01-12.

Conditions:
Familial thoracic aortic aneurysm and aortic dissection (TAAD). Also called: Thoracic aortic aneurysms and dissections. Identifiers: Orphanet 91387, MedGen C4707243, MONDO:0019625.
Aortic aneurysm, familial thoracic 4 (AAT4). Also called: AORTIC ANEURYSM/AORTIC DISSECTION AND PATENT DUCTUS ARTERIOSUS. Identifiers: MedGen C1851504, MONDO:0007568, OMIM 132900.

Allele frequency attached by ClinVar (database versions not stated): gnomAD 0.00001; TOPMed 0.00003.

Submissions (8):

Labcorp Genetics (formerly Invitae), Labcorp
Classification: Uncertain significance for Aortic aneurysm, familial thoracic 4. Last evaluated: 2026-01-12. Review status: criteria provided, single submitter. Criteria: Invitae Variant Classification Sherloc (09022015). Collection method: clinical testing. Allele origin: germline.
Comment: This sequence change replaces proline, which is neutral and non-polar, with leucine, which is neutral and non-polar, at codon 532 of the MYH11 protein (p.Pro532Leu). This variant is present in population databases (rs750288554, gnomAD 0.01%). This variant has not been reported in the literature in individuals affected with MYH11-related conditions. ClinVar contains an entry for this variant (Variation ID: 238257). An algorithm developed to predict the effect of missense changes on protein structure and function (PolyPhen-2) suggests that this variant is likely to be disruptive. In summary, the available evidence is currently insufficient to determine the role of this variant in disease. Therefore, it has been classified as a Variant of Uncertain Significance.

All of Us Research Program, National Institutes of Health
Classification: Uncertain significance for Familial thoracic aortic aneurysm and aortic dissection. Last evaluated: 2024-04-16. Review status: criteria provided, single submitter. Criteria: ACMG Guidelines, 2015. Collection method: clinical testing. Allele origin: germline. Inheritance: Autosomal dominant inheritance. Observed: 9 variant alleles, 9 heterozygotes.
Comment: This missense variant replaces proline with leucine at codon 532 of the MYH11 protein. This variant is also known as c.1574C>T, p.Pro525Leu based on transcript NM_002474.3. Computational prediction suggests that this variant may have deleterious impact on protein structure and function (internally defined REVEL score threshold >= 0.7, PMID: 27666373). To our knowledge, functional studies have not been reported for this variant. This variant has not been reported in individuals affected with cardiovascular disorders in the literature. This variant has been identified in 14/251054 chromosomes in the general population by the Genome Aggregation Database (gnomAD). The available evidence is insufficient to determine the role of this variant in disease conclusively. Therefore, this variant is classified as a Variant of Uncertain Significance.

This study involves interpretation of variants in research participants for the purpose of population health screening. Participant phenotype was not available at the time of variant classification. Additional details can be found in publication PMID: 35346344, PMCID: PMC8962531

Color Diagnostics, LLC DBA Color Health
Classification: Uncertain significance for Familial thoracic aortic aneurysm and aortic dissection. Last evaluated: 2024-03-13. Review status: criteria provided, single submitter. Criteria: ACMG Guidelines, 2015. Collection method: clinical testing. Allele origin: germline.
Comment: This missense variant replaces proline with leucine at codon 532 of the MYH11 protein. Computational prediction tools indicate that this variant has a deleterious impact on protein structure and function. To our knowledge, functional studies have not been reported for this variant. This variant has not been reported in individuals affected with MYH11-related disorders in the literature. This variant has been identified in 14/251054 chromosomes in the general population by the Genome Aggregation Database (gnomAD). The available evidence is insufficient to determine the role of this variant in disease conclusively. Therefore, this variant is classified as a Variant of Uncertain Significance.

Ambry Genetics
Classification: Uncertain significance for Familial thoracic aortic aneurysm and aortic dissection. Last evaluated: 2023-04-22. Review status: criteria provided, single submitter. Criteria: Ambry Variant Classification Scheme 2023. Collection method: clinical testing. Allele origin: germline.
Comment: The p.P525L variant (also known as c.1574C>T), located in coding exon 12 of the MYH11 gene, results from a C to T substitution at nucleotide position 1574. The proline at codon 525 is replaced by leucine, an amino acid with similar properties. This amino acid position is conserved. In addition, the in silico prediction for this alteration is inconclusive. Since supporting evidence is limited at this time, the clinical significance of this alteration remains unclear.

CHEO Genetics Diagnostic Laboratory, Children's Hospital of Eastern Ontario
Classification: Uncertain significance for Familial thoracic aortic aneurysm and aortic dissection. Last evaluated: 2022-01-24. Review status: criteria provided, single submitter. Criteria: ACMG Guidelines, 2015. Collection method: clinical testing. Allele origin: germline.

ARUP Laboratories, Molecular Genetics and Genomics, ARUP Laboratories
Classification: Uncertain significance. Last evaluated: 2021-04-29. Review status: criteria provided, single submitter. Criteria: ARUP Molecular Germline Variant Investigation Process 2021. Collection method: clinical testing. Allele origin: germline.
Comment: The MYH11 c.1574C>T; p.Pro525Leu variant (rs750288554), to our knowledge, is not reported in the medical literature but is reported in ClinVar (Variation ID: 238257). This variant is found in the general population with an allele frequency of 0.0056% (14/251,054 alleles) in the Genome Aggregation Database. The proline at codon 525 is highly conserved, and computational analyses predict that this variant is deleterious (REVEL: 0.705) and may impact splicing by weakening the nearby canonical donor splice site. Due to limited information, the clinical significance of the p.Pro525Leu variant is uncertain at this time.

Illumina Laboratory Services, Illumina
Classification: Uncertain significance for Aortic aneurysm, familial thoracic 4. Last evaluated: 2018-01-13. Review status: criteria provided, single submitter. Criteria: ICSL Variant Classification Criteria 13 December 2019. Collection method: clinical testing. Allele origin: germline.

Center for Human Genetics, Inc
Classification: Uncertain significance for Aortic aneurysm, familial thoracic 4. Last evaluated: 2016-11-01. Review status: criteria provided, single submitter. Criteria: ACMG Guidelines, 2015. Collection method: clinical testing. Allele origin: germline. Affected: yes.